The following is an entry in ClinVar:

NM_023110.3(FGFR1):c.1430+4A>G

Gene: FGFR1 (fibroblast growth factor receptor 1; minus strand). Cytogenetic location: 8p11.23.
Variant type: single nucleotide variant.
Coding change: c.1430+4A>G on transcript NM_023110.3 (MANE Select); 4 bases into the intron after coding-DNA position 1430, A replaced by G.
Molecular consequence: intron variant.
Genome position (GRCh38, 1-based): chr8:38,418,224, T>C on the plus strand (A>G on the coding strand, the complement: FGFR1 is on the minus strand). VCF-style: chr8-38418224-T-C. GRCh37 (hg19) VCF-style: chr8-38275742-T-C.
Other names: c.1151+4A>G (NM_001354368.2); c.1157+4A>G (NM_001354370.2, NM_023106.3); c.1163+4A>G (NM_023105.3, NM_001174066.2); c.1424+4A>G (NM_001354367.2, NM_015850.4, NM_001174063.2 and 1 more transcripts); c.1400+4A>G (NM_001174064.2); c.1418+4A>G (NM_001354369.2, NM_001410922.1); c.1523+4A>G (NM_001174067.2).
Identifiers: ClinVar variation 2926913 (VCV002926913.3), dbSNP rs1260119138, ClinGen allele CA851477733.
Genomic context (GRCh38, chr8:38,418,224, plus strand): 5'-CTTCCACCACTAGAATAGCAAGCAAGGAATGCCTTCAAAAAGTTGGGAGTCAAAGTATTA[T>C]TACCTGTCCCGAGGCAGCTCCCAGCGAGGGTCTTCGGGAAGCTCATACTCAGAGACCCCT-3'

ClinVar aggregate classification (germline): Uncertain significance (1 of 4 stars; one submission).

Conditions:
Pfeiffer syndrome (ACS5). Also called: ACS V. Identifiers: Orphanet 710, MedGen C0220658, MONDO:0007043, OMIM 101600.
Hypogonadotropic hypogonadism 2 with or without anosmia (HH2). Also called: HYPOGONADOTROPIC HYPOGONADISM 2 WITHOUT ANOSMIA, SUSCEPTIBILITY TO; HYPOGONADOTROPIC HYPOGONADISM 2 WITHOUT ANOSMIA; HYPOGONADOTROPIC HYPOGONADISM 2 WITH OR WITHOUT ANOSMIA, SUSCEPTIBILITY TO; FGFR1-Related GnRH Deficiency (Kallmann Syndrome 2). Identifiers: Orphanet 478, MedGen C1563720, MONDO:0007844, OMIM 147950. Disease mechanism: loss of function.

Allele frequency attached by ClinVar (database versions not stated): gnomAD exomes below 0.00001; TOPMed 0.00001.
gnomAD v4.1: 4 of 1,614,198 alleles (0.00025%); highest among the groups gnomAD compares: Admixed American, 0.0017%; no homozygotes.

Submission:

Labcorp Genetics (formerly Invitae), Labcorp
Classification: Uncertain significance for Pfeiffer syndrome; Hypogonadotropic hypogonadism 2 with or without anosmia. Last evaluated: 2025-03-31. Review status: criteria provided, single submitter. Criteria: Invitae Variant Classification Sherloc (09022015). Collection method: clinical testing. Allele origin: germline.
Comment: This sequence change falls in intron 10 of the FGFR1 gene. It does not directly change the encoded amino acid sequence of the FGFR1 protein. It affects a nucleotide within the consensus splice site. This variant is not present in population databases (gnomAD no frequency). This variant has not been reported in the literature in individuals affected with FGFR1-related conditions. ClinVar contains an entry for this variant (Variation ID: 2926913). Variants that disrupt the consensus splice site are a relatively common cause of aberrant splicing (PMID: 17576681, 9536098). Algorithms developed to predict the effect of sequence changes on RNA splicing suggest that this variant is not likely to affect RNA splicing. In summary, the available evidence is currently insufficient to determine the role of this variant in disease. Therefore, it has been classified as a Variant of Uncertain Significance.

Literature cited by the submitters: PubMed 17576681; PubMed 9536098.